The following is an entry in ClinVar:

NM_170707.4(LMNA):c.589_593delinsACTTGAAG (p.Leu197_Gln198delinsThrTer)

Gene: LMNA (lamin A/C; plus strand). Cytogenetic location: 1q22.
Variant type: Indel.
Coding change: c.589_593delinsACTTGAAG on transcript NM_170707.4 (MANE Select); coding-DNA positions 589 to 593, CTGCA replaced by ACTTGAAG.
Protein change: p.Leu197_Gln198delinsThrTer.
Molecular consequence: nonsense.
Genome position (GRCh38, 1-based): chr1:156,134,478-156,134,482, CTGCA replaced by ACTTGAAG. VCF-style: chr1-156134478-CTGCA-ACTTGAAG. GRCh37 (hg19) VCF-style: chr1-156104269-CTGCA-ACTTGAAG.
Other names: c.253_257delinsACTTGAAG, p.Leu85_Gln86delinsThrTer (NM_001257374.3); c.346_350delinsACTTGAAG, p.Leu116_Gln117delinsThrTer (NM_001282624.2); c.589_593delinsACTTGAAG, p.Leu197_Gln198delinsThrTer (NM_001282625.2, NM_001282626.2, NM_005572.4 and 1 more transcripts).
Identifiers: ClinVar variation 667008 (VCV000667008.4), dbSNP rs1572358821, ClinGen allele CA913189049.

ClinVar aggregate classification (germline): Likely pathogenic (1 of 4 stars; one submission).

Conditions:
Primary dilated cardiomyopathy (DCM). Also called: Dilated Cardiomyopathy. Identifiers: Orphanet 217604, MedGen C0007193, MeSH D002311, MONDO:0005021, HP:0001644. Inheritance: Various modes of inheritance.

Submission:

Laboratory for Molecular Medicine, Mass General Brigham Personalized Medicine
Classification: Likely pathogenic for Primary dilated cardiomyopathy. Last evaluated: 2018-02-22. Review status: criteria provided, single submitter. Criteria: LMM Criteria. Collection method: clinical testing. Allele origin: germline. Inheritance: Autosomal dominant inheritance. Observed: 2 variant alleles.
Comment: The p.Leu197ThrfsX2 variant in LMNA has not been previously reported in individu als with dilated cardiomyopathy (DCM) or other LMNA-associated diseases and was absent from large population studies, though the ability of these studies to acc urately detect indels may be limited. This variant is a deletion of 2 amino acid s at positions 197 and 198 and an insertion of a threonine and a premature stop codon at these positions. This alteration is then predicted to lead to a truncat ed or absent protein. Heterozygous loss of LMNA function is strongly associated with DCM with or without conduction system disease, and/or skeletal myopathy. In summary, although additional studies are required to fully establish its clinic al significance, the p.Leu197ThrfsX2 variant is likely pathogenic. ACMG/AMP Crit eria applied (Richards 2015): PVS1, PM2.